The following is an entry in ClinVar:

ClinVar aggregate classification (germline): Uncertain significance (1 of 4 stars; one submission).

Conditions:
Adams-Oliver syndrome 5 (AOS5). Identifiers: Orphanet 974, MedGen C4014970, MONDO:0014459, OMIM 616028.

Allele frequency attached by ClinVar (database versions not stated): gnomAD 0.00001.
gnomAD v4.1: 4 of 1,555,880 alleles (0.00026%); highest among the groups gnomAD compares: Non-Finnish European, 0.00026%; no homozygotes.

Submission:

Labcorp Genetics (formerly Invitae), Labcorp
Classification: Uncertain significance for Adams-Oliver syndrome 5. Last evaluated: 2025-09-10. Review status: criteria provided, single submitter. Criteria: Invitae Variant Classification Sherloc (09022015). Collection method: clinical testing. Allele origin: germline.
Comment: This sequence change replaces glutamic acid, which is acidic and polar, with lysine, which is basic and polar, at codon 216 of the NOTCH1 protein (p.Glu216Lys). This variant is not present in population databases (gnomAD no frequency). This variant has not been reported in the literature in individuals affected with NOTCH1-related conditions. ClinVar contains an entry for this variant (Variation ID: 2781650). Invitae Evidence Modeling of protein sequence and biophysical properties (such as structural, functional, and spatial information, amino acid conservation, physicochemical variation, residue mobility, and thermodynamic stability) indicates that this missense variant is not expected to disrupt NOTCH1 protein function with a negative predictive value of 95%. In summary, the available evidence is currently insufficient to determine the role of this variant in disease. Therefore, it has been classified as a Variant of Uncertain Significance.

NM_017617.5(NOTCH1):c.646G>A (p.Glu216Lys)

Gene: NOTCH1 (notch receptor 1; minus strand). Cytogenetic location: 9q34.3.
Variant type: single nucleotide variant.
Coding change: c.646G>A on transcript NM_017617.5 (MANE Select); coding-DNA position 646, G replaced by A.
Protein change: p.Glu216Lys; replaces glutamic acid 216 with lysine.
Molecular consequence: missense variant.
Genome position (GRCh38, 1-based): chr9:136,522,946, C>T on the plus strand (G>A on the coding strand, the complement: NOTCH1 is on the minus strand). VCF-style: chr9-136522946-C-T. GRCh37 (hg19) VCF-style: chr9-139417398-C-T.
Other names: short protein forms E216K.
Identifiers: ClinVar variation 2781650 (VCV002781650.3), dbSNP rs1317233337, ClinGen allele CA375569692.
Genomic context (GRCh38, chr9:136,522,946, plus strand): 5'-TGGGGCGGCAGGTGCCCCCGTTCTGGCAGGGCGAGGGGCTGCAGGGCACGTAGGGCCGCT[C>T]GCAGTTGGGGCCAGTGTGGGTGGCGCGGCAGACGCAGCGGTAGGAGCCGACCTCGTTGTG-3'
Protein context (NP_060087.3, residues 206-226): CRATHTGPNC[Glu216Lys]RPYVPCSPSP